The following is an entry in ClinVar:

ClinVar aggregate classification (germline): Likely benign (1 of 4 stars; one submission).

Conditions:
MC4R-related disorder. Also called: MC4R-related condition.

Submission:

PreventionGenetics, part of Exact Sciences
Classification: Likely benign for MC4R-related condition. Last evaluated: 2025-05-13. Review status: criteria provided, single submitter. Criteria: ACMG Guidelines, 2015. Collection method: clinical testing. Allele origin: germline.
Comment: This variant is classified as likely benign based on ACMG/AMP sequence variant interpretation guidelines (Richards et al. 2015 PMID: 25741868, with internal and published modifications).

NM_005912.3(MC4R):c.570T>C (p.Ser190=)

Gene: MC4R (melanocortin 4 receptor; minus strand). Cytogenetic location: 18q21.32.
Variant type: single nucleotide variant.
Coding change: c.570T>C on transcript NM_005912.3 (MANE Select); coding-DNA position 570, T replaced by C.
Protein change: p.Ser190=; no amino-acid change (serine 190 retained).
Molecular consequence: synonymous variant.
Genome position (GRCh38, 1-based): chr18:60,371,780, A>G on the plus strand (T>C on the coding strand, the complement: MC4R is on the minus strand). VCF-style: chr18-60371780-A-G. GRCh37 (hg19) VCF-style: chr18-58039013-A-G.
Identifiers: ClinVar variation 4979988 (VCV004979988.1).
Genomic context (GRCh38, chr18:60,371,780, plus strand): 5'-AGAAGCCATGAGAGCCAGCATGGTGAAGAACATGGTGATGAGGCAGATGATGACAGCACT[A>G]CTATCTGAGTAAATGATGAACAAAATGCCTGAAACCGTGCAAGCTGCCCAGATACAACTT-3'
Protein context (NP_005903.2, residues 180-200): SGILFIIYSD[Ser190=]SAVIICLITM